The following is an entry in ClinVar:

ClinVar aggregate classification (germline): Benign. Review status: reviewed by expert panel (3 of 4 stars). 4 submissions from 4 submitters: Benign (1). 3 of the submissions do not count toward it. Last evaluated 2024-05-09.

Conditions:
SCN3A-related disorder. Also called: SCN3A-related condition.
Developmental and epileptic encephalopathy. Identifiers: MedGen C5779964, MONDO:0100620.

Allele frequency attached by ClinVar (database versions not stated): gnomAD 0.00040 and 0.00062; TOPMed 0.00081; gnomAD exomes 0.00137; ExAC 0.00140; 1000 Genomes Project 30x 0.00203; 1000 Genomes Project 0.00260.

Submissions (4):

ClinGen Epilepsy Sodium Channel Variant Curation Expert Panel, Clingen
Classification: Benign for Developmental and epileptic encephalopathy. Last evaluated: 2024-05-09. Review status: reviewed by expert panel. Criteria: ClinGen EpilepsySCN ACMG Specifications SCN3A V1.0.0. Collection method: curation. Allele origin: germline. Inheritance: Autosomal dominant inheritance.
Comment: The c.5407G>A variant in SCN3A is a missense variant predicted to cause substitution of Aspartic acid by Asparagine at amino acid 1803 (p.Asp1803Asn). The highest population minor allele frequency in gnomAD v2.1.1 is 0.01653 (143/8652 alleles) in East Asian population, which is higher than the ClinGen Epilepsy Sodium Channel threshold (0.0001) for BA1, and therefore meets this criterion (BA1). The computational predictor REVEL gives a score of 0.114, which is below the threshold of 0.183, evidence that does not predict a damaging effect on SCN3A function (BP4_moderate). This variant resides within a region of SCN3A that is defined as a mutational hotspot by the ClinGen sodium channel VCEP (PM1). Although there are both pathogenic and benign types of evidence for this variant, the high frequency of this variant in gnomAD strongly supports a benign classification, and the only evidence in support of pathogenicity is based on a prediction that this variant may lie in a mutational hotspot. In summary, this variant meets the criteria to be classified as Benign for autosomal dominant developmental and epileptic encephalopathy based on ACMG/AMP criteria applied, as specified by the ClinGen Epilepsy Sodium Channel VCEP: BA1, BP4, and PM1. (VCEP specifications version 1; 6/27/2023).

Labcorp Genetics (formerly Invitae), Labcorp
Classification: Benign. Last evaluated: 2026-01-21. Review status: criteria provided, single submitter. Criteria: Invitae Variant Classification Sherloc (09022015). Collection method: clinical testing. Allele origin: germline. Not counted in ClinVar's aggregate classification.

Blueprint Genetics
Classification: Likely benign. Last evaluated: 2024-11-05. Review status: criteria provided, single submitter. Criteria: ACMG Guidelines, 2015. Collection method: clinical testing. Allele origin: germline. Not counted in ClinVar's aggregate classification.

PreventionGenetics, part of Exact Sciences
Classification: Benign for SCN3A-related condition. Last evaluated: 2024-02-27. Review status: no assertion criteria provided. Collection method: clinical testing. Allele origin: germline. Not counted in ClinVar's aggregate classification.
Comment: This variant is classified as benign based on ACMG/AMP sequence variant interpretation guidelines (Richards et al. 2015 PMID: 25741868, with internal and published modifications).

Literature cited by the submitters: PubMed 32183904 (cited by ClinGen Epilepsy Sodium Channel Variant Curation Expert Panel, Clingen); PubMed 31871067 (cited by ClinGen Epilepsy Sodium Channel Variant Curation Expert Panel, Clingen).

NM_006922.4(SCN3A):c.5407G>A (p.Asp1803Asn)

Gene: SCN3A (sodium voltage-gated channel alpha subunit 3; minus strand). Cytogenetic location: 2q24.3.
Variant type: single nucleotide variant.
Coding change: c.5407G>A on transcript NM_006922.4 (MANE Select); coding-DNA position 5407, G replaced by A.
Protein change: p.Asp1803Asn; replaces aspartic acid 1803 with asparagine.
Molecular consequence: missense variant.
Genome position (GRCh38, 1-based): chr2:165,090,746, C>T on the plus strand (G>A on the coding strand, the complement: SCN3A is on the minus strand). VCF-style: chr2-165090746-C-T. GRCh37 (hg19) VCF-style: chr2-165947256-C-T.
Other names: NM_006922.4(SCN3A):c.5407G>A; c.5260G>A, p.Asp1754Asn (NM_001081676.2, NM_001081677.2); short protein forms D1803N, D1754N.
Identifiers: ClinVar variation 240713 (VCV000240713.17), dbSNP rs3731762, ClinGen allele CA1938411.